The following is an entry in ClinVar:

NM_006231.4(POLE):c.5917G>T (p.Glu1973Ter)

Gene: POLE (DNA polymerase epsilon, catalytic subunit; minus strand). Cytogenetic location: 12q24.33.
Variant type: single nucleotide variant.
Coding change: c.5917G>T on transcript NM_006231.4 (MANE Select); coding-DNA position 5917, G replaced by T.
Protein change: p.Glu1973Ter; replaces glutamic acid 1973 with a stop codon.
Molecular consequence: nonsense.
Genome position (GRCh38, 1-based): chr12:132,634,273, C>A on the plus strand (G>T on the coding strand, the complement: POLE is on the minus strand). VCF-style: chr12-132634273-C-A. GRCh37 (hg19) VCF-style: chr12-133210859-C-A.
Other names: short protein forms E1973*.
Identifiers: ClinVar variation 965872 (VCV000965872.12), dbSNP rs7487595, ClinGen allele CA246295380.

ClinVar aggregate classification (germline): Conflicting classifications of pathogenicity. Review status: criteria provided, conflicting classifications (1 of 4 stars). 2 submissions from 2 submitters: Pathogenic (1); Uncertain significance (1). Last evaluated 2026-01-08.

Conditions:
Hereditary cancer-predisposing syndrome. Also called: Tumor predisposition; Hereditary neoplastic syndrome; Hereditary Cancer Syndrome; Neoplastic Syndromes, Hereditary. Identifiers: Orphanet 140162, MedGen C0027672, MeSH D009386, MONDO:0015356.

Submissions (2):

Ambry Genetics
Classification: Uncertain significance for Hereditary cancer-predisposing syndrome. Last evaluated: 2026-01-08. Review status: criteria provided, single submitter. Criteria: Ambry Variant Classification Scheme 2023. Collection method: clinical testing. Allele origin: germline.
Comment: The p.E1973* variant (also known as c.5917G>T), located in coding exon 43 of the POLE gene, results from a G to T substitution at nucleotide position 5917. This changes the amino acid from a glutamic acid to a stop codon within coding exon 43. This alteration is expected to result in loss of function by premature protein truncation or nonsense-mediated mRNA decay. Although biallelic loss of function of POLE has been associated with autosomal recessive POLE deficiency, haploinsufficiency of POLE has not been established as a mechanism of disease for POLE-related polymerase proofreading-associated polyposis (PPAP) and POLE-related CMMRD-like syndrome. Based on the supporting evidence, this variant is expected to be causative of POLE deficiency when present along with a second pathogenic variant on the other allele; however, its clinical significance for PPAP and POLE-related CMMRD-like syndrome is unclear.

Labcorp Genetics (formerly Invitae), Labcorp
Classification: Pathogenic. Last evaluated: 2024-07-30. Review status: criteria provided, single submitter. Criteria: Invitae Variant Classification Sherloc (09022015). Collection method: clinical testing. Allele origin: germline.
Comment: This sequence change creates a premature translational stop signal (p.Glu1973*) in the POLE gene. It is expected to result in an absent or disrupted protein product. Loss-of-function variants in POLE are known to be pathogenic (PMID: 23230001, 25948378, 30503519). This variant is not present in population databases (gnomAD no frequency). This variant has not been reported in the literature in individuals affected with POLE-related conditions. ClinVar contains an entry for this variant (Variation ID: 965872). For these reasons, this variant has been classified as Pathogenic.

Literature cited by the submitters: PubMed 23230001 (cited by Labcorp Genetics (formerly Invitae), Labcorp); PubMed 25948378 (cited by Labcorp Genetics (formerly Invitae), Labcorp); PubMed 30503519 (cited by Labcorp Genetics (formerly Invitae), Labcorp).